The following is an entry in ClinVar:

ClinVar aggregate classification (germline): Uncertain significance (1 of 4 stars; one submission).

Submission:

Labcorp Genetics (formerly Invitae), Labcorp
Classification: Uncertain significance. Last evaluated: 2023-12-07. Review status: criteria provided, single submitter. Criteria: Invitae Variant Classification Sherloc (09022015). Collection method: clinical testing. Allele origin: germline.
Comment: This sequence change replaces asparagine, which is neutral and polar, with serine, which is neutral and polar, at codon 506 of the MPDZ protein (p.Asn506Ser). This variant is not present in population databases (gnomAD no frequency). This variant has not been reported in the literature in individuals affected with MPDZ-related conditions. ClinVar contains an entry for this variant (Variation ID: 1953989). Algorithms developed to predict the effect of missense changes on protein structure and function output the following: SIFT: "Not Available"; PolyPhen-2: "Benign"; Align-GVGD: "Not Available". The serine amino acid residue is found in multiple mammalian species, which suggests that this missense change does not adversely affect protein function. In summary, the available evidence is currently insufficient to determine the role of this variant in disease. Therefore, it has been classified as a Variant of Uncertain Significance.

NM_001378778.1(MPDZ):c.1517A>G (p.Asn506Ser)

Gene: MPDZ (multiple PDZ domain crumbs cell polarity complex component; minus strand). Cytogenetic location: 9p23.
Variant type: single nucleotide variant.
Coding change: c.1517A>G on transcript NM_001378778.1 (MANE Select); coding-DNA position 1517, A replaced by G.
Protein change: p.Asn506Ser; replaces asparagine 506 with serine.
Molecular consequence: missense variant.
Genome position (GRCh38, 1-based): chr9:13,205,065, T>C on the plus strand (A>G on the coding strand, the complement: MPDZ is on the minus strand). VCF-style: chr9-13205065-T-C. GRCh37 (hg19) VCF-style: chr9-13205064-T-C.
Other names: c.1517A>G, p.Asn506Ser (NM_001261406.2, NM_001261407.2, NM_001330637.2 and 14 more transcripts); short protein forms N506S.
Identifiers: ClinVar variation 1953989 (VCV001953989.5), dbSNP rs1956838829, ClinGen allele CA372942768.